The following is an entry in ClinVar:

ClinVar aggregate classification (germline): Uncertain significance (1 of 4 stars; one submission).

Submission:

Labcorp Genetics (formerly Invitae), Labcorp
Classification: Uncertain significance. Last evaluated: 2024-04-30. Review status: criteria provided, single submitter. Criteria: Invitae Variant Classification Sherloc (09022015). Collection method: clinical testing. Allele origin: germline.
Comment: This sequence change replaces histidine, which is basic and polar, with tyrosine, which is neutral and polar, at codon 83 of the PDX1 protein (p.His83Tyr). This variant is present in population databases (rs781516081, gnomAD 0.07%). This variant has not been reported in the literature in individuals affected with PDX1-related conditions. Advanced modeling of protein sequence and biophysical properties (such as structural, functional, and spatial information, amino acid conservation, physicochemical variation, residue mobility, and thermodynamic stability) performed at Invitae indicates that this missense variant is not expected to disrupt PDX1 protein function with a negative predictive value of 80%. In summary, the available evidence is currently insufficient to determine the role of this variant in disease. Therefore, it has been classified as a Variant of Uncertain Significance.

NM_000209.4(PDX1):c.247C>T (p.His83Tyr)

Gene: PDX1 (pancreatic and duodenal homeobox 1; plus strand). Cytogenetic location: 13q12.2.
Variant type: single nucleotide variant.
Coding change: c.247C>T on transcript NM_000209.4 (MANE Select); coding-DNA position 247, C replaced by T.
Protein change: p.His83Tyr; replaces histidine 83 with tyrosine.
Molecular consequence: missense variant.
Genome position (GRCh38, 1-based): chr13:27,920,385, C>T. VCF-style: chr13-27920385-C-T. GRCh37 (hg19) VCF-style: chr13-28494522-C-T.
Other names: short protein forms H83Y.
Identifiers: ClinVar variation 3609358 (VCV003609358.2).